The following is an entry in ClinVar:

NM_001035.3(RYR2):c.14162A>T (p.Tyr4721Phe)

Gene: RYR2 (ryanodine receptor 2; plus strand). Cytogenetic location: 1q43.
Variant type: single nucleotide variant.
Coding change: c.14162A>T on transcript NM_001035.3 (MANE Select); coding-DNA position 14162, A replaced by T.
Protein change: p.Tyr4721Phe; replaces tyrosine 4721 with phenylalanine.
Molecular consequence: missense variant.
Genome position (GRCh38, 1-based): chr1:237,806,147, A>T. VCF-style: chr1-237806147-A-T. GRCh37 (hg19) VCF-style: chr1-237969447-A-T.
Other names: short protein forms Y4721F.
Identifiers: ClinVar variation 933897 (VCV000933897.11), dbSNP rs1660612939, ClinGen allele CA345422609.
Genomic context (GRCh38, chr1:237,806,147, plus strand): 5'-CATGCGTTCTGTTTTCTGACATGTTCTTTCCCCCCGTTTTGTCTTAATAGTCCTTCCTCT[A>T]CCTAGCCTGGTATATGACTATGTCTGTTCTTGGACACTATAACAACTTTTTTTTTGCCGC-3'
Protein context (NP_001026.2, residues 4711-4731): GVVFTDNSFL[Tyr4721Phe]LAWYMTMSVL

ClinVar aggregate classification (germline): Uncertain significance (1 of 4 stars; one submission).

Conditions:
Catecholaminergic polymorphic ventricular tachycardia 1. Also called: VENTRICULAR TACHYCARDIA, CATECHOLAMINERGIC POLYMORPHIC, 1, WITH OR WITHOUT ATRIAL DYSFUNCTION AND/OR DILATED CARDIOMYOPATHY; VENTRICULAR TACHYCARDIA, STRESS-INDUCED POLYMORPHIC 1; RYR2-Related Catecholaminergic Polymorphic Ventricular Tachycardia. Identifiers: Orphanet 3286, MedGen C1631597, MONDO:0011484, OMIM 604772.

Submission:

Labcorp Genetics (formerly Invitae), Labcorp
Classification: Uncertain significance for Catecholaminergic polymorphic ventricular tachycardia 1. Last evaluated: 2019-08-29. Review status: criteria provided, single submitter. Criteria: Invitae Variant Classification Sherloc (09022015). Collection method: clinical testing. Allele origin: germline.
Comment: Algorithms developed to predict the effect of missense changes on protein structure and function are either unavailable or do not agree on the potential impact of this missense change (SIFT: "Deleterious"; PolyPhen-2: "Possibly Damaging"; Align-GVGD: "Class C0"). In summary, the available evidence is currently insufficient to determine the role of this variant in disease. Therefore, it has been classified as a Variant of Uncertain Significance. This variant has not been reported in the literature in individuals with RYR2-related conditions. This variant is not present in population databases (ExAC no frequency). This sequence change replaces tyrosine with phenylalanine at codon 4721 of the RYR2 protein (p.Tyr4721Phe). The tyrosine residue is highly conserved and there is a small physicochemical difference between tyrosine and phenylalanine.